The following is an entry in ClinVar:

ClinVar aggregate classification (germline): Uncertain significance (1 of 4 stars; one submission).

Allele frequency attached by ClinVar (database versions not stated): ExAC 0.00002; TOPMed 0.00002; gnomAD 0.00005; ESP Exome Variant Server 0.00008; gnomAD exomes 0.00008; 1000 Genomes Project 30x 0.00016; 1000 Genomes Project 0.00020.
gnomAD v4.1: 121 of 1,614,166 alleles (0.0075%); highest among the groups gnomAD compares: Non-Finnish European, 0.01%; no homozygotes.

Submission:

Labcorp Genetics (formerly Invitae), Labcorp
Classification: Uncertain significance. Last evaluated: 2022-08-12. Review status: criteria provided, single submitter. Criteria: Invitae Variant Classification Sherloc (09022015). Collection method: clinical testing. Allele origin: germline.
Comment: This variant is present in population databases (rs147113111, gnomAD 0.004%). This sequence change replaces aspartic acid, which is acidic and polar, with alanine, which is neutral and non-polar, at codon 329 of the KRT6C protein (p.Asp329Ala). This variant has not been reported in the literature in individuals affected with KRT6C-related conditions. In summary, the available evidence is currently insufficient to determine the role of this variant in disease. Therefore, it has been classified as a Variant of Uncertain Significance. Advanced modeling of protein sequence and biophysical properties (such as structural, functional, and spatial information, amino acid conservation, physicochemical variation, residue mobility, and thermodynamic stability) performed at Invitae indicates that this missense variant is expected to disrupt KRT6C protein function.

NM_173086.5(KRT6C):c.986A>C (p.Asp329Ala)

Gene: KRT6C (keratin 6C; minus strand). Cytogenetic location: 12q13.13.
Variant type: single nucleotide variant.
Coding change: c.986A>C on transcript NM_173086.5 (MANE Select); coding-DNA position 986, A replaced by C.
Protein change: p.Asp329Ala; replaces aspartic acid 329 with alanine.
Molecular consequence: missense variant.
Genome position (GRCh38, 1-based): chr12:52,471,223, T>G on the plus strand (A>C on the coding strand, the complement: KRT6C is on the minus strand). VCF-style: chr12-52471223-T-G. GRCh37 (hg19) VCF-style: chr12-52865007-T-G.
Other names: short protein forms D329A.
Identifiers: ClinVar variation 2139739 (VCV002139739.4), dbSNP rs147113111, ClinGen allele CA6581313.